The following is an entry in ClinVar:

NM_020975.6(RET):c.2168A>G (p.Asn723Ser)

Gene: RET (ret proto-oncogene; plus strand). Cytogenetic location: 10q11.21.
Variant type: single nucleotide variant.
Coding change: c.2168A>G on transcript NM_020975.6 (MANE Select); coding-DNA position 2168, A replaced by G.
Protein change: p.Asn723Ser; replaces asparagine 723 with serine.
Molecular consequence: missense variant.
Genome position (GRCh38, 1-based): chr10:43,116,615, A>G. VCF-style: chr10-43116615-A-G. GRCh37 (hg19) VCF-style: chr10-43612063-A-G.
Other names: c.1406A>G, p.Asn469Ser (NM_001355216.2); c.2168A>G, p.Asn723Ser (NM_001406743.1, NM_001406744.1, NM_001406759.1 and 2 more transcripts); c.2039A>G, p.Asn680Ser (NM_001406761.1, NM_001406762.1, NM_001406764.1); c.2033A>G, p.Asn678Ser (NM_001406763.1, NM_001406765.1); c.1880A>G, p.Asn627Ser (NM_001406766.1, NM_001406767.1, NM_001406770.1); c.1904A>G, p.Asn635Ser (NM_001406768.1); c.1772A>G, p.Asn591Ser (NM_001406769.1, NM_001406772.1); c.1730A>G, p.Asn577Ser (NM_001406771.1, NM_001406773.1); and 10 more; short protein forms N381S, N393S, N548S, N577S, N591S, N424S, N481S, N627S.
Identifiers: ClinVar variation 3653427 (VCV003653427.2).

ClinVar aggregate classification (germline): Uncertain significance (1 of 4 stars; one submission).

Conditions:
Multiple endocrine neoplasia, type 2 (MEN2). Identifiers: Orphanet 653, MedGen C4048306, MONDO:0019003. Disease mechanism: gain of function.

Submission:

Labcorp Genetics (formerly Invitae), Labcorp
Classification: Uncertain significance for Multiple endocrine neoplasia, type 2. Last evaluated: 2024-05-15. Review status: criteria provided, single submitter. Criteria: Invitae Variant Classification Sherloc (09022015). Collection method: clinical testing. Allele origin: germline.
Comment: This sequence change replaces asparagine, which is neutral and polar, with serine, which is neutral and polar, at codon 723 of the RET protein (p.Asn723Ser). This variant is not present in population databases (gnomAD no frequency). This variant has not been reported in the literature in individuals affected with RET-related conditions. An algorithm developed to predict the effect of missense changes on protein structure and function (PolyPhen-2) suggests that this variant is likely to be tolerated. In summary, the available evidence is currently insufficient to determine the role of this variant in disease. Therefore, it has been classified as a Variant of Uncertain Significance.